The following is an entry in ClinVar:

NM_001013838.3(CARMIL2):c.3319C>G (p.Pro1107Ala)

Gene: CARMIL2 (capping protein regulator and myosin 1 linker 2; plus strand). Cytogenetic location: 16q22.1.
Variant type: single nucleotide variant.
Coding change: c.3319C>G on transcript NM_001013838.3 (MANE Select); coding-DNA position 3319, C replaced by G.
Protein change: p.Pro1107Ala; replaces proline 1107 with alanine.
Molecular consequence: missense variant.
Genome position (GRCh38, 1-based): chr16:67,654,429, C>G. VCF-style: chr16-67654429-C-G. GRCh37 (hg19) VCF-style: chr16-67688332-C-G.
Other names: c.3211C>G, p.Pro1071Ala (NM_001317026.3); short protein forms P1071A, P1107A.
Identifiers: ClinVar variation 1923370 (VCV001923370.6), dbSNP rs762295013, ClinGen allele CA396344540.
Genomic context (GRCh38, chr16:67,654,429, plus strand): 5'-GCCACTCCTGTCCCCCGTACACTGCGAAAGAAGCTGGGCACCCTCTTTGCCTTCAAGAAG[C>G]CTCGTTCAACGCGGGGTCCACGGACTGATCTAGAGACCAGCCCTGGGGCAGCTCCCCGAA-3'
Protein context (NP_001013860.1, residues 1097-1117): KLGTLFAFKK[Pro1107Ala]RSTRGPRTDL

ClinVar aggregate classification (germline): Uncertain significance. Review status: criteria provided, multiple submitters, no conflicts (2 of 4 stars). 2 submissions from 2 submitters: Uncertain significance (2). Last evaluated 2022-08-31.

Allele frequency attached by ClinVar (database versions not stated): gnomAD 0.00001.
gnomAD v4.1: 4 of 1,612,040 alleles (0.00025%); highest among the groups gnomAD compares: African/African-American, 0.0013%; no homozygotes.

Submissions (2):

Labcorp Genetics (formerly Invitae), Labcorp
Classification: Uncertain significance. Last evaluated: 2022-08-31. Review status: criteria provided, single submitter. Criteria: Invitae Variant Classification Sherloc (09022015). Collection method: clinical testing. Allele origin: germline.
Comment: This sequence change replaces proline, which is neutral and non-polar, with alanine, which is neutral and non-polar, at codon 1107 of the CARMIL2 protein (p.Pro1107Ala). In summary, the available evidence is currently insufficient to determine the role of this variant in disease. Therefore, it has been classified as a Variant of Uncertain Significance. Algorithms developed to predict the effect of missense changes on protein structure and function are either unavailable or do not agree on the potential impact of this missense change (SIFT: "Tolerated"; PolyPhen-2: "Probably Damaging"; Align-GVGD: "Class C0"). This variant has not been reported in the literature in individuals affected with CARMIL2-related conditions. This variant is not present in population databases (gnomAD no frequency).

Blueprint Genetics
Classification: Uncertain significance. Last evaluated: 2021-03-31. Review status: criteria provided, single submitter. Criteria: ACMG Guidelines, 2015. Collection method: clinical testing. Allele origin: germline.